The following is an entry in ClinVar:

NM_153704.6(TMEM67):c.1538A>G (p.Tyr513Cys)

Gene: TMEM67 (transmembrane protein 67; plus strand). Cytogenetic location: 8q22.1.
Variant type: single nucleotide variant.
Coding change: c.1538A>G on transcript NM_153704.6 (MANE Select); coding-DNA position 1538, A replaced by G.
Protein change: p.Tyr513Cys; replaces tyrosine 513 with cysteine.
Molecular consequence: missense variant. On other transcripts: non-coding transcript variant (1).
Genome position (GRCh38, 1-based): chr8:93,791,282, A>G. VCF-style: chr8-93791282-A-G. GRCh37 (hg19) VCF-style: chr8-94803510-A-G.
Other names: c.1295A>G, p.Tyr432Cys (NM_001142301.1); short protein forms Y513C, Y432C.
Identifiers: ClinVar variation 1371 (VCV000001371.11), dbSNP rs137853107, ClinGen allele CA210653.

ClinVar aggregate classification (germline): Pathogenic/Likely pathogenic. Review status: criteria provided, multiple submitters, no conflicts (2 of 4 stars). 8 submissions from 7 submitters: Pathogenic (5); Likely pathogenic (1). 2 of the submissions do not count toward it. Last evaluated 2025-11-26.

Conditions:
Joubert syndrome. Also called: JOUBERT-BOLTSHAUSER SYNDROME; Familial aplasia of the vermis. Identifiers: Orphanet 475, MedGen C5979921, MONDO:0018772.
Meckel-Gruber syndrome. Also called: GRUBER SYNDROME; DYSENCEPHALIA SPLANCHNOCYSTICA; Dysencephalia splachnocystica. Identifiers: Orphanet 564, MedGen C0265215, MONDO:0018921.
Joubert syndrome and related disorders. Identifiers: Orphanet 140874, MedGen C5679612, MONDO:0015369.
Bardet-Biedl syndrome 14 (BBS14). Identifiers: Orphanet 110, MedGen C2673874, MONDO:0014442, OMIM 615991.
Meckel syndrome, type 3 (MKS3). Also called: MECKEL-GRUBER SYNDROME, TYPE 3. Identifiers: Orphanet 564, MedGen C1846357, MONDO:0011821, OMIM 607361.
Nephronophthisis 11 (NPHP11). Identifiers: Orphanet 84081, MedGen C3150796, MONDO:0013302, OMIM 613550.
COACH syndrome 1. Identifiers: Orphanet 1454, MedGen C5435651, MONDO:0800103, OMIM 216360, MONDO:0008996.
RHYNS syndrome. Also called: RETINITIS PIGMENTOSA SYNDROME; RETINITIS PIGMENTOSA, HYPOPITUITARISM, NEPHRONOPHTHISIS, AND MILD SKELETAL DYSPLASIA. Identifiers: Orphanet 140976, MedGen C1865794, MONDO:0011202, OMIM 602152.
Joubert syndrome 6 (JBTS6). Identifiers: Orphanet 475, MedGen C1853153, MONDO:0012539, OMIM 610688.
TMEM67-related disorder. Also called: TMEM67-related disorders; TMEM67-related condition. Identifiers: MedGen CN239423.

Allele frequency attached by ClinVar (database versions not stated): TOPMed below 0.00001.
gnomAD v4.1: 34 of 1,607,258 alleles (0.0021%); highest among the groups gnomAD compares: Non-Finnish European, 0.0029%; no homozygotes.

Submissions (8):

Labcorp Genetics (formerly Invitae), Labcorp
Classification: Pathogenic for Joubert syndrome; Meckel-Gruber syndrome. Last evaluated: 2025-11-26. Review status: criteria provided, single submitter. Criteria: Invitae Variant Classification Sherloc (09022015). Collection method: clinical testing. Allele origin: germline.
Comment: This sequence change replaces tyrosine, which is neutral and polar, with cysteine, which is neutral and slightly polar, at codon 513 of the TMEM67 protein (p.Tyr513Cys). This variant is present in population databases (rs137853107, gnomAD 0.002%). This missense change has been observed in individual(s) with Joubert syndrome (PMID: 17160906, 28497568). In at least one individual the data is consistent with being in trans (on the opposite chromosome) from a pathogenic variant. It has also been observed to segregate with disease in related individuals. ClinVar contains an entry for this variant (Variation ID: 1371). Invitae Evidence Modeling of protein sequence and biophysical properties (such as structural, functional, and spatial information, amino acid conservation, physicochemical variation, residue mobility, and thermodynamic stability) indicates that this missense variant is expected to disrupt TMEM67 protein function with a positive predictive value of 95%. For these reasons, this variant has been classified as Pathogenic.

Fulgent Genetics
Classification: Likely pathogenic for COACH syndrome 1; RHYNS syndrome; Meckel syndrome, type 3; Joubert syndrome 6; Nephronophthisis 11; Bardet-Biedl syndrome 14. Last evaluated: 2024-05-04. Review status: criteria provided, single submitter. Criteria: ACMG Guidelines, 2015. Collection method: clinical testing. Allele origin: germline.

Women's Health and Genetics/Laboratory Corporation of America, LabCorp
Classification: Pathogenic for Joubert syndrome and related disorders. Last evaluated: 2024-04-29. Review status: criteria provided, single submitter. Criteria: LabCorp Variant Classification Summary - May 2015. Collection method: clinical testing. Allele origin: germline.
Comment: Variant summary: TMEM67 c.1538A>G (p.Tyr513Cys) results in a non-conservative amino acid change in the encoded protein sequence. Five of five in-silico tools predict a damaging effect of the variant on protein function. The variant allele was found at a frequency of 8e-06 in 250304 control chromosomes. c.1538A>G has been reported in the literature in multiple individuals affected with Joubert Syndrome And Related Disorders (e.g. Baala_2007, Doherty_2010, Halbritter_2013, Summers_2016, Tallila_2009). These data indicate that the variant is very likely to be associated with disease. To our knowledge, no experimental evidence demonstrating an impact on protein function has been reported. The following publications have been ascertained in the context of this evaluation (PMID: 17160906, 19466712, 23559409, 19574260, 28497568). ClinVar contains an entry for this variant (Variation ID: 1371). Based on the evidence outlined above, the variant was classified as pathogenic.

Blueprint Genetics
Classification: Pathogenic for TMEM67-related disorders. Last evaluated: 2023-11-03. Review status: criteria provided, single submitter. Criteria: ACMG Guidelines, 2015. Collection method: clinical testing. Allele origin: germline. Affected: yes. Observed: 3 variant alleles.

MVZ Medizinische Genetik Mainz
Classification: Pathogenic for COACH syndrome 1. Last evaluated: 2023-10-12. Review status: criteria provided, single submitter. Criteria: UK Practice Guidelines For Variant Classification V4 01 2020. Collection method: clinical testing. Allele origin: germline. Inheritance: Autosomal recessive inheritance. Affected: yes. Observed: 1 variant allele.
Comment: ACMG Criteria: PM3_VSTR,PP3_STR,PM2_SUP

UW Hindbrain Malformation Research Program, University of Washington
Classification: Pathogenic for Joubert syndrome 6. Last evaluated: 2015-02-23. Review status: criteria provided, single submitter. Criteria: Bachmann-Gagescu et al. (J Med Genet. 2015). Collection method: research. Allele origin: unknown. Affected: yes.

OMIM
Classification: Pathogenic for JOUBERT SYNDROME 6. Last evaluated: 2010-01-01. Review status: no assertion criteria provided. Collection method: literature only. Allele origin: germline. Not counted in ClinVar's aggregate classification.

OMIM
Classification: Pathogenic for COACH SYNDROME. Last evaluated: 2010-01-01. Review status: no assertion criteria provided. Collection method: literature only. Allele origin: germline. Not counted in ClinVar's aggregate classification.

Literature cited by the submitters: PubMed 17160906 (cited by 3 submitters); PubMed 28497568 (cited by Labcorp Genetics (formerly Invitae), Labcorp and Women's Health and Genetics/Laboratory Corporation of America, LabCorp); PubMed 19574260 (cited by Women's Health and Genetics/Laboratory Corporation of America, LabCorp and OMIM); PubMed 23559409 (cited by Women's Health and Genetics/Laboratory Corporation of America, LabCorp); PubMed 19466712 (cited by Women's Health and Genetics/Laboratory Corporation of America, LabCorp).